The following is an entry in ClinVar:

NM_006648.4(WNK2):c.2707G>T (p.Val903Leu)

Gene: WNK2 (WNK lysine deficient protein kinase 2; plus strand). Cytogenetic location: 9q22.31.
Variant type: single nucleotide variant.
Coding change: c.2707G>T on transcript NM_006648.4 (MANE Select); coding-DNA position 2707, G replaced by T.
Protein change: p.Val903Leu; replaces valine 903 with leucine.
Molecular consequence: missense variant.
Genome position (GRCh38, 1-based): chr9:93,259,255, G>T. VCF-style: chr9-93259255-G-T. GRCh37 (hg19) VCF-style: chr9-96021537-G-T.
Other names: c.2707G>T, p.Val903Leu (NM_001282394.3); short protein forms V903L.
Identifiers: ClinVar variation 3981695 (VCV003981695.1).

ClinVar aggregate classification (germline): Uncertain significance (1 of 4 stars; one submission).

Submission:

Ambry Genetics
Classification: Uncertain significance. Last evaluated: 2025-03-22. Review status: criteria provided, single submitter. Criteria: Ambry Variant Classification Scheme 2023. Collection method: clinical testing. Allele origin: germline.
Comment: The p.V903L variant (also known as c.2707G>T), located in coding exon 11 of the WNK2 gene, results from a G to T substitution at nucleotide position 2707. The valine at codon 903 is replaced by leucine, an amino acid with highly similar properties. This amino acid position is conserved. In addition, this alteration is predicted to be tolerated by in silico analysis. Based on the available evidence, the clinical significance of this variant remains unclear.